The following is an entry in ClinVar:

NM_001166108.2(PALLD):c.2156C>T (p.Thr719Ile)

Genes: CBR4 (carbonyl reductase 4; minus strand), PALLD (palladin, cytoskeletal associated protein; plus strand). Cytogenetic location: 4q32.3.
Variant type: single nucleotide variant.
Coding change: c.2156C>T on transcript NM_001166108.2 (MANE Select); coding-DNA position 2156, C replaced by T.
Protein change: p.Thr719Ile; replaces threonine 719 with isoleucine.
Molecular consequence: missense variant.
Genome position (GRCh38, 1-based): chr4:168,894,634, C>T. VCF-style: chr4-168894634-C-T. GRCh37 (hg19) VCF-style: chr4-169815785-C-T.
Other names: c.1010C>T, p.Thr337Ile (NM_001166109.2); c.695C>T, p.Thr232Ile (NM_001166110.2); c.35C>T, p.Thr12Ile (NM_001367567.1, NM_001367568.1, NM_001367569.1 and 1 more transcripts); c.2156C>T, p.Thr719Ile (NM_016081.4); c.2156C>T (NM_016081.3); short protein forms T12I, T719I, T337I, T232I.
Identifiers: ClinVar variation 1488166 (VCV001488166.7), dbSNP rs1389047255, ClinGen allele CA358797736.

ClinVar aggregate classification (germline): Uncertain significance. Review status: criteria provided, multiple submitters, no conflicts (2 of 4 stars). 2 submissions from 2 submitters: Uncertain significance (2). Last evaluated 2022-12-08.

Conditions:
Pancreatic adenocarcinoma. Identifiers: MedGen C0281361, MONDO:0006047, HP:0006725.

Allele frequency attached by ClinVar (database versions not stated): gnomAD exomes below 0.00001.
gnomAD v4.1: 5 of 1,613,760 alleles (0.00031%); highest among the groups gnomAD compares: Non-Finnish European, 0.00042%; no homozygotes.

Submissions (2):

Ambry Genetics
Classification: Uncertain significance. Last evaluated: 2022-12-08. Review status: criteria provided, single submitter. Criteria: Ambry Variant Classification Scheme 2023. Collection method: clinical testing. Allele origin: germline.
Comment: The p.T719I variant (also known as c.2156C>T), located in coding exon 11 of the PALLD gene, results from a C to T substitution at nucleotide position 2156. The threonine at codon 719 is replaced by isoleucine, an amino acid with similar properties. This amino acid position is conserved. In addition, this alteration is predicted to be tolerated by in silico analysis. Since supporting evidence is limited at this time, the clinical significance of this alteration remains unclear.

Labcorp Genetics (formerly Invitae), Labcorp
Classification: Uncertain significance for Pancreatic adenocarcinoma. Last evaluated: 2021-08-30. Review status: criteria provided, single submitter. Criteria: Invitae Variant Classification Sherloc (09022015). Collection method: clinical testing. Allele origin: germline.
Comment: Algorithms developed to predict the effect of missense changes on protein structure and function are either unavailable or do not agree on the potential impact of this missense change (SIFT: "Deleterious"; PolyPhen-2: "Benign"; Align-GVGD: "Class C65"). In summary, the available evidence is currently insufficient to determine the role of this variant in disease. Therefore, it has been classified as a Variant of Uncertain Significance. This variant has not been reported in the literature in individuals affected with PALLD-related conditions. This sequence change replaces threonine with isoleucine at codon 232 of the PALLD protein (p.Thr232Ile). The threonine residue is highly conserved and there is a moderate physicochemical difference between threonine and isoleucine. This variant is not present in population databases (ExAC no frequency).